The following is an entry in ClinVar:

ClinVar aggregate classification (germline): Conflicting classifications of pathogenicity. Review status: criteria provided, conflicting classifications (1 of 4 stars). 2 submissions from 2 submitters: Uncertain significance (1); Likely benign (1). Last evaluated 2025-05-21.

Conditions:
Adams-Oliver syndrome 5 (AOS5). Identifiers: Orphanet 974, MedGen C4014970, MONDO:0014459, OMIM 616028.
Familial thoracic aortic aneurysm and aortic dissection (TAAD). Also called: Thoracic aortic aneurysms and dissections. Identifiers: Orphanet 91387, MedGen C4707243, MONDO:0019625.

Allele frequency attached by ClinVar (database versions not stated): gnomAD 0.00001; gnomAD exomes 0.00001; TOPMed 0.00001; ExAC 0.00002.
gnomAD v4.1: 55 of 1,603,112 alleles (0.0034%); highest among the groups gnomAD compares: Non-Finnish European, 0.0043%; no homozygotes.

Submissions (2):

Labcorp Genetics (formerly Invitae), Labcorp
Classification: Likely benign for Adams-Oliver syndrome 5. Last evaluated: 2025-05-21. Review status: criteria provided, single submitter. Criteria: Invitae Variant Classification Sherloc (09022015). Collection method: clinical testing. Allele origin: germline.

Ambry Genetics
Classification: Uncertain significance for Familial thoracic aortic aneurysm and aortic dissection. Last evaluated: 2023-11-06. Review status: criteria provided, single submitter. Criteria: Ambry Variant Classification Scheme 2023. Collection method: clinical testing. Allele origin: germline.
Comment: The p.A71T variant (also known as c.211G>A), located in coding exon 3 of the NOTCH1 gene, results from a G to A substitution at nucleotide position 211. The alanine at codon 71 is replaced by threonine, an amino acid with similar properties. This amino acid position is not well conserved in available vertebrate species. In addition, this alteration is predicted to be tolerated by in silico analysis. Since supporting evidence is limited at this time, the clinical significance of this alteration remains unclear.

NM_017617.5(NOTCH1):c.211G>A (p.Ala71Thr)

Gene: NOTCH1 (notch receptor 1; minus strand). Cytogenetic location: 9q34.3.
Variant type: single nucleotide variant.
Coding change: c.211G>A on transcript NM_017617.5 (MANE Select); coding-DNA position 211, G replaced by A.
Protein change: p.Ala71Thr; replaces alanine 71 with threonine.
Molecular consequence: missense variant.
Genome position (GRCh38, 1-based): chr9:136,523,909, C>T on the plus strand (G>A on the coding strand, the complement: NOTCH1 is on the minus strand). VCF-style: chr9-136523909-C-T. GRCh37 (hg19) VCF-style: chr9-139418361-C-T.
Other names: c.211G>A, p.Ala71Thr (LRG_1122t1); short protein forms A71T.
Identifiers: ClinVar variation 520035 (VCV000520035.10), dbSNP rs753106233, ClinGen allele CA5342227.